The following is an entry in ClinVar:

ClinVar aggregate classification (germline): Uncertain significance (1 of 4 stars; one submission).

Conditions:
Hyperekplexia 3 (HKPX3). Also called: HYPEREKPLEXIA 3, AUTOSOMAL RECESSIVE; HYPEREKPLEXIA 3, AUTOSOMAL DOMINANT. Identifiers: Orphanet 3197, MedGen C3553288, MONDO:0013827, OMIM 614618.

Submission:

Labcorp Genetics (formerly Invitae), Labcorp
Classification: Uncertain significance for Hyperekplexia 3. Last evaluated: 2022-03-29. Review status: criteria provided, single submitter. Criteria: Invitae Variant Classification Sherloc (09022015). Collection method: clinical testing. Allele origin: germline.
Comment: This sequence change replaces threonine, which is neutral and polar, with isoleucine, which is neutral and non-polar, at codon 634 of the SLC6A5 protein (p.Thr634Ile). This variant is not present in population databases (gnomAD no frequency). This variant has not been reported in the literature in individuals affected with SLC6A5-related conditions. Advanced modeling of protein sequence and biophysical properties (such as structural, functional, and spatial information, amino acid conservation, physicochemical variation, residue mobility, and thermodynamic stability) performed at Invitae indicates that this missense variant is not expected to disrupt SLC6A5 protein function. In summary, the available evidence is currently insufficient to determine the role of this variant in disease. Therefore, it has been classified as a Variant of Uncertain Significance.

NM_004211.5(SLC6A5):c.1901C>T (p.Thr634Ile)

Gene: SLC6A5 (solute carrier family 6 member 5; plus strand). Cytogenetic location: 11p15.1.
Variant type: single nucleotide variant.
Coding change: c.1901C>T on transcript NM_004211.5 (MANE Select); coding-DNA position 1901, C replaced by T.
Protein change: p.Thr634Ile; replaces threonine 634 with isoleucine.
Molecular consequence: missense variant.
Genome position (GRCh38, 1-based): chr11:20,638,490, C>T. VCF-style: chr11-20638490-C-T. GRCh37 (hg19) VCF-style: chr11-20660036-C-T.
Other names: c.1199C>T, p.Thr400Ile (NM_001318369.2); short protein forms T400I, T634I.
Identifiers: ClinVar variation 2201112 (VCV002201112.4), dbSNP rs1469213893, ClinGen allele CA379918631.